The following is an entry in ClinVar:

ClinVar aggregate classification (germline): Uncertain significance (1 of 4 stars; one submission).

Allele frequency attached by ClinVar (database versions not stated): gnomAD 0.00001.
gnomAD v4.1: 2 of 1,612,432 alleles (0.00012%); highest among the groups gnomAD compares: African/African-American, 0.0013%; no homozygotes.

Submission:

Labcorp Genetics (formerly Invitae), Labcorp
Classification: Uncertain significance. Last evaluated: 2022-06-20. Review status: criteria provided, single submitter. Criteria: Invitae Variant Classification Sherloc (09022015). Collection method: clinical testing. Allele origin: germline.
Comment: In summary, the available evidence is currently insufficient to determine the role of this variant in disease. Therefore, it has been classified as a Variant of Uncertain Significance. Algorithms developed to predict the effect of missense changes on protein structure and function (SIFT, PolyPhen-2, Align-GVGD) all suggest that this variant is likely to be tolerated. This variant has not been reported in the literature in individuals affected with WHRN-related conditions. This variant is not present in population databases (gnomAD no frequency). This sequence change replaces asparagine, which is neutral and polar, with aspartic acid, which is acidic and polar, at codon 336 of the WHRN protein (p.Asn336Asp).

NM_015404.4(WHRN):c.1006A>G (p.Asn336Asp)

Gene: WHRN (whirlin; minus strand). Cytogenetic location: 9q32.
Variant type: single nucleotide variant.
Coding change: c.1006A>G on transcript NM_015404.4 (MANE Select); coding-DNA position 1006, A replaced by G.
Protein change: p.Asn336Asp; replaces asparagine 336 with aspartic acid.
Molecular consequence: missense variant. On other transcripts: 5 prime UTR variant (1).
Genome position (GRCh38, 1-based): chr9:114,426,371, T>C on the plus strand (A>G on the coding strand, the complement: WHRN is on the minus strand). VCF-style: chr9-114426371-T-C. GRCh37 (hg19) VCF-style: chr9-117188651-T-C.
Other names: c.-144A>G (NM_001083885.3); c.1006A>G, p.Asn336Asp (NM_001173425.2); short protein forms N336D.
Identifiers: ClinVar variation 1517695 (VCV001517695.6), dbSNP rs1836861926, ClinGen allele CA374611375.